The following is an entry in ClinVar:

ClinVar aggregate classification (germline): Uncertain significance. Review status: criteria provided, multiple submitters, no conflicts (2 of 4 stars). 3 submissions from 3 submitters: Uncertain significance (3). Last evaluated 2025-01-08.

Conditions:
Inborn genetic diseases. Identifiers: MedGen C0950123, MeSH D030342.
VPS13B-related disorder. Also called: VPS13B-related condition.

Allele frequency attached by ClinVar (database versions not stated): TOPMed below 0.00001; ExAC 0.00001; gnomAD 0.00001; gnomAD exomes 0.00001; ESP Exome Variant Server 0.00008.
gnomAD v4.1: 15 of 1,614,022 alleles (0.00093%); highest among the groups gnomAD compares: East Asian, 0.018%; no homozygotes.

Submissions (3):

PreventionGenetics, part of Exact Sciences
Classification: Uncertain significance for VPS13B-related condition. Last evaluated: 2025-01-08. Review status: criteria provided, single submitter. Criteria: ACMG Guidelines, 2015. Collection method: clinical testing. Allele origin: germline.
Comment: The VPS13B c.8294G>A variant is predicted to result in the amino acid substitution p.Gly2765Glu. To our knowledge, this variant has not been reported in the literature. This variant is reported in 0.035% of alleles in individuals of East Asian descent in gnomAD. At this time, the clinical significance of this variant is uncertain due to the absence of conclusive functional and genetic evidence.

GeneDx
Classification: Uncertain significance. Last evaluated: 2024-03-21. Review status: criteria provided, single submitter. Criteria: GeneDx Variant Classification Process June 2021. Collection method: clinical testing. Allele origin: germline. Affected: yes.
Comment: In silico analysis supports that this missense variant has a deleterious effect on protein structure/function; Has not been previously published as pathogenic or benign to our knowledge

Ambry Genetics
Classification: Uncertain significance for Inborn genetic diseases. Last evaluated: 2023-06-28. Review status: criteria provided, single submitter. Criteria: Ambry Variant Classification Scheme 2023. Collection method: clinical testing. Allele origin: germline.

NM_152564.5(VPS13B):c.8294G>A (p.Gly2765Glu)

Gene: VPS13B (vacuolar protein sorting 13 homolog B; plus strand). Cytogenetic location: 8q22.2.
Variant type: single nucleotide variant.
Coding change: c.8294G>A on transcript NM_152564.5 (MANE Select); coding-DNA position 8294, G replaced by A.
Protein change: p.Gly2765Glu; replaces glycine 2765 with glutamic acid.
Molecular consequence: missense variant.
Genome position (GRCh38, 1-based): chr8:99,817,736, G>A. VCF-style: chr8-99817736-G-A. GRCh37 (hg19) VCF-style: chr8-100829964-G-A.
Other names: c.8369G>A, p.Gly2790Glu (NM_017890.5); short protein forms G2790E, G2765E.
Identifiers: ClinVar variation 2607059 (VCV002607059.4), dbSNP rs372979537, ClinGen allele CA4824420.